The following is an entry in ClinVar:

ClinVar aggregate classification (germline): Conflicting classifications of pathogenicity. Review status: criteria provided, conflicting classifications (1 of 4 stars). 13 submissions from 9 submitters: Uncertain significance (6); Likely benign (7). Last evaluated 2026-09-01.

Conditions:
Cardiovascular phenotype. Identifiers: MedGen CN230736.
Early-onset myopathy with fatal cardiomyopathy (CMYO5). Also called: Salih Myopathy; CONGENITAL MYOPATHY 5 WITH CARDIOMYOPATHY. Identifiers: Orphanet 289377, MedGen C2673677, MONDO:0012714, OMIM 611705. Disease mechanism: loss of function.
Myopathy, myofibrillar, 9, with early respiratory failure (MFM9). Also called: Hereditary myopathy with early respiratory failure; Myopathy, distal, with early respiratory failure, autosomal dominant; MYOPATHY, PROXIMAL, WITH EARLY RESPIRATORY MUSCLE INVOLVEMENT; EDSTROM MYOPATHY. Identifiers: Orphanet 178464, Orphanet 34521, MedGen C1863599, MONDO:0011362, OMIM 603689.
Autosomal recessive limb-girdle muscular dystrophy type 2J (LGMDR10). Also called: Limb-girdle muscular dystrophy, type 2J; MUSCULAR DYSTROPHY, LIMB-GIRDLE, AUTOSOMAL RECESSIVE 10. Identifiers: Orphanet 140922, MedGen C1837342, MONDO:0012127, OMIM 608807.
TTN-related disorder. Also called: TTN-related condition; TTN-related disease; TTN-related disorders.
Tibial muscular dystrophy (TMD). Also called: Tibial muscular dystrophy, tardive; Udd Distal Myopathy – Tibial Muscular Dystrophy; UDD MYOPATHY. Identifiers: Orphanet 609, MedGen C1838244, MONDO:0010870, OMIM 600334.
Dilated cardiomyopathy 1G (CMD1G). Identifiers: Orphanet 154, MedGen C1858763, MONDO:0011400, OMIM 604145.
Cardiomyopathy (CMYO). Also called: Cardiomyopathies. Identifiers: Orphanet 167848, MedGen C0878544, MONDO:0004994, HP:0001638. Inheritance: Various modes of inheritance.

Allele frequency attached by ClinVar (database versions not stated): TOPMed 0.00007.
gnomAD v4.1: 40 of 1,613,632 alleles (0.0025%); highest among the groups gnomAD compares: Admixed American, 0.058%; no homozygotes.

Submissions (13):

CeGaT Center for Human Genetics Tuebingen
Classification: Likely benign. Last evaluated: 2026-09-01. Review status: criteria provided, single submitter. Criteria: CeGaT Center For Human Genetics Tuebingen Variant Classification Criteria Version 2. Collection method: clinical testing. Allele origin: germline. Affected: yes. Observed: 2 variant alleles.
Comment: TTN: BP4, BP7

PreventionGenetics, part of Exact Sciences
Classification: Likely benign for TTN-related condition. Last evaluated: 2026-01-27. Review status: criteria provided, single submitter. Criteria: ACMG Guidelines, 2015. Collection method: clinical testing. Allele origin: germline.
Comment: This variant is classified as likely benign based on ACMG/AMP sequence variant interpretation guidelines (Richards et al. 2015 PMID: 25741868, with internal and published modifications).

Labcorp Genetics (formerly Invitae), Labcorp
Classification: Likely benign for Dilated cardiomyopathy 1G; Autosomal recessive limb-girdle muscular dystrophy type 2J. Last evaluated: 2026-01-11. Review status: criteria provided, single submitter. Criteria: Invitae Variant Classification Sherloc (09022015). Collection method: clinical testing. Allele origin: germline.

Molecular Diagnostic Laboratory for Inherited Cardiovascular Disease, Montreal Heart Institute
Classification: Likely benign. Last evaluated: 2025-04-09. Review status: criteria provided, single submitter. Criteria: ACMG Guidelines, 2015. Collection method: clinical testing. Allele origin: germline. Affected: no.
Comment: BP6;BP7

Ambry Genetics
Classification: Likely benign for Cardiovascular phenotype. Last evaluated: 2020-11-25. Review status: criteria provided, single submitter. Criteria: Ambry Variant Classification Scheme 2023. Collection method: clinical testing. Allele origin: germline.

CHEO Genetics Diagnostic Laboratory, Children's Hospital of Eastern Ontario
Classification: Likely benign for Cardiomyopathy. Last evaluated: 2018-03-01. Review status: criteria provided, single submitter. Criteria: ACMG Guidelines, 2015. Collection method: clinical testing. Allele origin: germline.

Illumina Laboratory Services, Illumina
Classification: Uncertain significance for Autosomal recessive limb-girdle muscular dystrophy type 2J. Last evaluated: 2018-01-12. Review status: criteria provided, single submitter. Criteria: ICSL Variant Classification Criteria 13 December 2019. Collection method: clinical testing. Allele origin: germline.

Illumina Laboratory Services, Illumina
Classification: Uncertain significance for Myopathy, myofibrillar, 9, with early respiratory failure. Last evaluated: 2018-01-12. Review status: criteria provided, single submitter. Criteria: ICSL Variant Classification Criteria 13 December 2019. Collection method: clinical testing. Allele origin: germline.

Illumina Laboratory Services, Illumina
Classification: Uncertain significance for Early-onset myopathy with fatal cardiomyopathy. Last evaluated: 2018-01-12. Review status: criteria provided, single submitter. Criteria: ICSL Variant Classification Criteria 13 December 2019. Collection method: clinical testing. Allele origin: germline.

Illumina Laboratory Services, Illumina
Classification: Uncertain significance for Dilated cardiomyopathy 1G. Last evaluated: 2018-01-12. Review status: criteria provided, single submitter. Criteria: ICSL Variant Classification Criteria 13 December 2019. Collection method: clinical testing. Allele origin: germline.

Illumina Laboratory Services, Illumina
Classification: Uncertain significance for Tibial muscular dystrophy. Last evaluated: 2018-01-12. Review status: criteria provided, single submitter. Criteria: ICSL Variant Classification Criteria 13 December 2019. Collection method: clinical testing. Allele origin: germline.

Eurofins Ntd Llc (ga)
Classification: Uncertain significance. Last evaluated: 2016-11-14. Review status: criteria provided, single submitter. Criteria: EGL Classification Definitions 2015. Collection method: clinical testing. Allele origin: germline. Observed: 1 variant allele, 1 heterozygote.

GeneDx
Classification: Likely benign. Last evaluated: 2016-06-02. Review status: criteria provided, single submitter. Criteria: GeneDx Variant Classification (06012015). Collection method: clinical testing. Allele origin: germline. Affected: yes.
Comment: This variant is considered likely benign or benign based on one or more of the following criteria: it is a conservative change, it occurs at a poorly conserved position in the protein, it is predicted to be benign by multiple in silico algorithms, and/or has population frequency not consistent with disease.

NM_001267550.2(TTN):c.99567C>T (p.Leu33189=)

Genes: TTN (titin; minus strand), TTN-AS1 (TTN antisense RNA 1; plus strand). Cytogenetic location: 2q31.2.
Variant type: single nucleotide variant.
Coding change: c.99567C>T on transcript NM_001267550.2 (MANE Select); coding-DNA position 99567, C replaced by T.
Protein change: p.Leu33189=; no amino-acid change (leucine 33189 retained).
Molecular consequence: synonymous variant. On other transcripts: non-coding transcript variant (1).
Genome position (GRCh38, 1-based): chr2:178,537,640, G>A on the plus strand (C>T on the coding strand, the complement: TTN is on the minus strand). VCF-style: chr2-178537640-G-A. GRCh37 (hg19) VCF-style: chr2-179402367-G-A.
Other names: c.94644C>T, p.Leu31548= (NM_001256850.1); c.72372C>T, p.Leu24124= (NM_003319.4); c.91863C>T, p.Leu30621= (NM_133378.4); c.72747C>T, p.Leu24249= (NM_133432.3); c.72948C>T, p.Leu24316= (NM_133437.4).
Identifiers: ClinVar variation 332706 (VCV000332706.27), dbSNP rs745708104, ClinGen allele CA1986170.